The following is an entry in ClinVar:

ClinVar aggregate classification (germline): Uncertain significance (1 of 4 stars; one submission).

Conditions:
Nephronophthisis 15 (NPHP15). Identifiers: Orphanet 3156, MedGen C3541853, MONDO:0013917, OMIM 614845.

gnomAD v4.1: 2 of 1,613,798 alleles (0.00012%); highest among the groups gnomAD compares: Non-Finnish European, 0.00017%; no homozygotes.

Submission:

Labcorp Genetics (formerly Invitae), Labcorp
Classification: Uncertain significance for Nephronophthisis 15. Last evaluated: 2023-12-19. Review status: criteria provided, single submitter. Criteria: Invitae Variant Classification Sherloc (09022015). Collection method: clinical testing. Allele origin: germline.
Comment: This sequence change replaces histidine, which is basic and polar, with glutamine, which is neutral and polar, at codon 830 of the CEP164 protein (p.His830Gln). This variant is not present in population databases (gnomAD no frequency). This variant has not been reported in the literature in individuals affected with CEP164-related conditions. ClinVar contains an entry for this variant (Variation ID: 1040286). Advanced modeling of protein sequence and biophysical properties (such as structural, functional, and spatial information, amino acid conservation, physicochemical variation, residue mobility, and thermodynamic stability) performed at Invitae indicates that this missense variant is not expected to disrupt CEP164 protein function with a negative predictive value of 80%. In summary, the available evidence is currently insufficient to determine the role of this variant in disease. Therefore, it has been classified as a Variant of Uncertain Significance.

NM_014956.5(CEP164):c.2490C>G (p.His830Gln)

Gene: CEP164 (centrosomal protein 164; plus strand). Cytogenetic location: 11q23.3.
Variant type: single nucleotide variant.
Coding change: c.2490C>G on transcript NM_014956.5 (MANE Select); coding-DNA position 2490, C replaced by G.
Protein change: p.His830Gln; replaces histidine 830 with glutamine.
Molecular consequence: missense variant.
Genome position (GRCh38, 1-based): chr11:117,392,624, C>G. VCF-style: chr11-117392624-C-G. GRCh37 (hg19) VCF-style: chr11-117263340-C-G.
Other names: c.2499C>G, p.His833Gln (NM_001271933.2); short protein forms H830Q, H833Q.
Identifiers: ClinVar variation 1040286 (VCV001040286.9), dbSNP rs532278621, ClinGen allele CA382726120.
Genomic context (GRCh38, chr11:117,392,624, plus strand): 5'-CCTTGGGCAAGTGGAGCACAGAGTTCACCAGAAGTCTTATCACGTGGCTGGGTATGAGCA[C>G]GAGGTGAGTGCTGCTCTGTCTTCCACAGTCGTGTGCGCCTGTTGTGGACTCTCTTACAGT-3'
Protein context (NP_055771.4, residues 820-840): QKSYHVAGYE[His830Gln]ELSSLLREKR